The following is an entry in ClinVar:

NM_001375834.1(WIPF1):c.91G>T (p.Ala31Ser)

Genes: WIPF1 (WAS/WASL interacting protein family member 1; minus strand), WIPF1-AS1 (WIPF1 and CHRNA1 antisense RNA 1; plus strand). Cytogenetic location: 2q31.1.
Variant type: single nucleotide variant.
Coding change: c.91G>T on transcript NM_001375834.1 (MANE Select); coding-DNA position 91, G replaced by T.
Protein change: p.Ala31Ser; replaces alanine 31 with serine.
Molecular consequence: missense variant.
Genome position (GRCh38, 1-based): chr2:174,581,400, C>A on the plus strand (G>T on the coding strand, the complement: WIPF1 is on the minus strand). VCF-style: chr2-174581400-C-A. GRCh37 (hg19) VCF-style: chr2-175446128-C-A.
Other names: c.91G>T, p.Ala31Ser (NM_001077269.1, NM_001375832.1, NM_001375833.1 and 6 more transcripts); short protein forms A31S.
Identifiers: ClinVar variation 2152478 (VCV002152478.4), dbSNP rs200122251, ClinGen allele CA1974234.

ClinVar aggregate classification (germline): Uncertain significance (1 of 4 stars; one submission).

Conditions:
Wiskott-Aldrich syndrome 2 (WAS2). Also called: WIPF1 DEFICIENCY. Identifiers: Orphanet 906, MedGen C3281001, MONDO:0013779, OMIM 614493.

Allele frequency attached by ClinVar (database versions not stated): gnomAD exomes below 0.00001; TOPMed below 0.00001; ExAC 0.00001; gnomAD 0.00002; 1000 Genomes Project 30x 0.00016; 1000 Genomes Project 0.00020.

Submission:

Labcorp Genetics (formerly Invitae), Labcorp
Classification: Uncertain significance for Wiskott-Aldrich syndrome 2. Last evaluated: 2022-10-05. Review status: criteria provided, single submitter. Criteria: Invitae Variant Classification Sherloc (09022015). Collection method: clinical testing. Allele origin: germline.
Comment: In summary, the available evidence is currently insufficient to determine the role of this variant in disease. Therefore, it has been classified as a Variant of Uncertain Significance. This sequence change replaces alanine, which is neutral and non-polar, with serine, which is neutral and polar, at codon 31 of the WIPF1 protein (p.Ala31Ser). This variant is present in population databases (rs200122251, gnomAD 0.002%). This variant has not been reported in the literature in individuals affected with WIPF1-related conditions. Algorithms developed to predict the effect of missense changes on protein structure and function are either unavailable or do not agree on the potential impact of this missense change (SIFT: "Not Available"; PolyPhen-2: "Probably Damaging"; Align-GVGD: "Not Available").